The following is an entry in ClinVar:

NM_000338.3(SLC12A1):c.2869dup (p.Ile957fs)

Gene: SLC12A1 (solute carrier family 12 member 1; plus strand). Cytogenetic location: 15q21.1.
Variant type: Duplication.
Coding change: c.2869dup on transcript NM_000338.3 (MANE Select); coding-DNA position 2869, one base duplicated (A; older notation c.2869dupA).
Protein change: p.Ile957fs; shifts the reading frame from isoleucine 957.
Molecular consequence: frameshift variant.
Genome position (GRCh38, 1-based): chr15:48,288,512, A duplicated; the last of 6 consecutive A bases (chr15:48,288,507-48,288,512); duplicating any one gives the same sequence. VCF-style (leftmost placement, unchanged base first): chr15-48288506-G-GA. GRCh37 (hg19) VCF-style: chr15-48580703-G-GA.
Other names: c.2869dup, p.Ile957fs (NM_001184832.2); short protein forms I957fs.
Identifiers: ClinVar variation 805466 (VCV000805466.9), dbSNP rs764247288, ClinGen allele CA269453725.

ClinVar aggregate classification (germline): Pathogenic/Likely pathogenic. Review status: criteria provided, multiple submitters, no conflicts (2 of 4 stars). 3 submissions from 3 submitters: Pathogenic (1); Likely pathogenic (2). Last evaluated 2024-06-13.

Conditions:
Bartter disease type 1. Also called: HYPOKALEMIC ALKALOSIS WITH HYPERCALCIURIA 1, ANTENATAL; Bartter Syndrome type 1; Bartter syndrome, type 1, antenatal; HYPERPROSTAGLANDIN E SYNDROME 1. Identifiers: Orphanet 112, Orphanet 620217, MedGen C1866495, MONDO:0100344, OMIM 601678, MONDO:0011127.

Submissions (3):

Fulgent Genetics
Classification: Likely pathogenic for Bartter disease type 1. Last evaluated: 2024-06-13. Review status: criteria provided, single submitter. Criteria: ACMG Guidelines, 2015. Collection method: clinical testing. Allele origin: germline.

Labcorp Genetics (formerly Invitae), Labcorp
Classification: Pathogenic. Last evaluated: 2023-06-14. Review status: criteria provided, single submitter. Criteria: Invitae Variant Classification Sherloc (09022015). Collection method: clinical testing. Allele origin: germline.
Comment: For these reasons, this variant has been classified as Pathogenic. ClinVar contains an entry for this variant (Variation ID: 805466). This variant has not been reported in the literature in individuals affected with SLC12A1-related conditions. The frequency data for this variant in the population databases is considered unreliable, as metrics indicate poor data quality at this position in the gnomAD database. This sequence change creates a premature translational stop signal (p.Ile957Asnfs*11) in the SLC12A1 gene. It is expected to result in an absent or disrupted protein product. Loss-of-function variants in SLC12A1 are known to be pathogenic (PMID: 8640224, 9585600, 19096086).

Athena Diagnostics
Classification: Likely pathogenic. Last evaluated: 2018-11-01. Review status: criteria provided, single submitter. Criteria: Athena Diagnostics Criteria. Collection method: clinical testing. Allele origin: germline.
Comment: The variant results in a shift of the reading frame, and is therefore predicted to significantly disrupt the protein structure. The best available variant frequency is uninformative because it is below the disease allele frequency.

Literature cited by the submitters: PubMed 8640224 (cited by Labcorp Genetics (formerly Invitae), Labcorp); PubMed 9585600 (cited by Labcorp Genetics (formerly Invitae), Labcorp); PubMed 19096086 (cited by Labcorp Genetics (formerly Invitae), Labcorp).